The following is an entry in ClinVar:

ClinVar aggregate classification (germline): Uncertain significance (1 of 4 stars; one submission).

Conditions:
Autosomal dominant nocturnal frontal lobe epilepsy 5. Also called: Epilepsy, nocturnal frontal lobe, 5; CILIARY DYSKINESIA, PRIMARY, 28, WITH SITUS INVERSUS; KCNT1-Related Epilepsy; CILIARY DYSKINESIA, PRIMARY, 28, WITHOUT SITUS INVERSUS. Identifiers: Orphanet 98784, MedGen C3554306, MONDO:0014002, OMIM 615005.
Developmental and epileptic encephalopathy, 14 (DEE14). Also called: Early infantile epileptic encephalopathy 14. Identifiers: Orphanet 293181, MedGen C3554195, MONDO:0013989, OMIM 614959.

Submission:

Labcorp Genetics (formerly Invitae), Labcorp
Classification: Uncertain significance for Autosomal dominant nocturnal frontal lobe epilepsy 5; Developmental and epileptic encephalopathy, 14. Last evaluated: 2022-02-10. Review status: criteria provided, single submitter. Criteria: Invitae Variant Classification Sherloc (09022015). Collection method: clinical testing. Allele origin: germline.
Comment: This variant is not present in population databases (gnomAD no frequency). This variant, c.2204_2206del, results in the deletion of 1 amino acid(s) of the KCNT1 protein (p.Glu735del), but otherwise preserves the integrity of the reading frame. This variant has not been reported in the literature in individuals affected with KCNT1-related conditions. In summary, the available evidence is currently insufficient to determine the role of this variant in disease. Therefore, it has been classified as a Variant of Uncertain Significance. Algorithms developed to predict the effect of sequence changes on RNA splicing suggest that this variant may create or strengthen a splice site. ClinVar contains an entry for this variant (Variation ID: 960038).

NM_020822.3(KCNT1):c.2204_2206del (p.Glu735del)

Gene: KCNT1 (potassium sodium-activated channel subfamily T member 1; plus strand). Cytogenetic location: 9q34.3.
Variant type: Deletion.
Coding change: c.2204_2206del on transcript NM_020822.3 (MANE Select); coding-DNA positions 2204 to 2206, 3 bases deleted (AGG; older notation c.2204_2206delAGG).
Protein change: p.Glu735del; deletes glutamic acid 735.
Molecular consequence: inframe deletion.
Genome position (GRCh38, 1-based): chr9:135,772,910-135,772,912, AGG deleted; deleting any 3 consecutive bases within chr9:135,772,909-135,772,912 gives the same sequence; the c. name uses the placement nearest the transcript's 3' end. VCF-style (leftmost placement, unchanged base first): chr9-135772908-TGAG-T. GRCh37 (hg19) VCF-style: chr9-138664754-TGAG-T.
Other names: c.2069_2071del, p.Glu690del (NM_001272003.2); short protein forms E690del, E735del.
Identifiers: ClinVar variation 960038 (VCV000960038.10), dbSNP rs1832857720, ClinGen allele CA1139661323.